The following is an entry in ClinVar:

NM_001244008.2(KIF1A):c.4337G>A (p.Arg1446Gln)

Gene: KIF1A (kinesin family member 1A; minus strand). Cytogenetic location: 2q37.3.
Variant type: single nucleotide variant.
Coding change: c.4337G>A on transcript NM_001244008.2 (MANE Select); coding-DNA position 4337, G replaced by A.
Protein change: p.Arg1446Gln; replaces arginine 1446 with glutamine.
Molecular consequence: missense variant.
Genome position (GRCh38, 1-based): chr2:240,723,540, C>T on the plus strand (G>A on the coding strand, the complement: KIF1A is on the minus strand). VCF-style: chr2-240723540-C-T. GRCh37 (hg19) VCF-style: chr2-241662957-C-T.
Other names: c.4061G>A, p.Arg1354Gln (NM_001320705.2, NM_001379649.1); c.4088G>A, p.Arg1363Gln (NM_001330289.2); c.4136G>A, p.Arg1379Gln (NM_001330290.2, NM_001379648.1); c.4412G>A, p.Arg1471Gln (NM_001379631.1); c.4313G>A, p.Arg1438Gln (NM_001379632.1); c.4310G>A, p.Arg1437Gln (NM_001379633.1, NM_001379645.1); c.4163G>A, p.Arg1388Gln (NM_001379634.1); c.4160G>A, p.Arg1387Gln (NM_001379635.1, NM_001379646.1); and 7 more; short protein forms R1345Q, R1363Q, R1370Q, R1388Q, R1353Q, R1362Q, R1379Q, R1387Q.
Identifiers: ClinVar variation 2924968 (VCV002924968.3), dbSNP rs1337924125, ClinGen allele CA351305639.

ClinVar aggregate classification (germline): Uncertain significance (1 of 4 stars; one submission).

Conditions:
Neuropathy, hereditary sensory, type 2C. Also called: Hereditary sensory and autonomic neuropathy type IIC; KIF1A-Related HSAN2 (HSAN2C). Identifiers: Orphanet 970, MedGen C3280168, MONDO:0013634, OMIM 614213.
Hereditary spastic paraplegia 30. Identifiers: Orphanet 101010, MedGen C5235139, MONDO:0012476.
Intellectual disability, autosomal dominant 9 (NESCAVS). Also called: NESCAV SYNDROME; KIF1A-Related Neurodevelopmental Disorder. Identifiers: Orphanet 662367, MedGen C5393830, MONDO:0013656, OMIM 614255.

Allele frequency attached by ClinVar (database versions not stated): gnomAD exomes below 0.00001; TOPMed below 0.00001.
gnomAD v4.1: 3 of 1,539,544 alleles (0.00019%); highest among the groups gnomAD compares: Non-Finnish European, 0.00026%; no homozygotes.

Submission:

Labcorp Genetics (formerly Invitae), Labcorp
Classification: Uncertain significance for Hereditary spastic paraplegia 30; Neuropathy, hereditary sensory, type 2C; Intellectual disability, autosomal dominant 9. Last evaluated: 2025-08-10. Review status: criteria provided, single submitter. Criteria: Invitae Variant Classification Sherloc (09022015). Collection method: clinical testing. Allele origin: germline.
Comment: This sequence change replaces arginine, which is basic and polar, with glutamine, which is neutral and polar, at codon 1345 of the KIF1A protein (p.Arg1345Gln). This variant is not present in population databases (gnomAD no frequency). This variant has not been reported in the literature in individuals affected with KIF1A-related conditions. ClinVar contains an entry for this variant (Variation ID: 2924968). Invitae Evidence Modeling of protein sequence and biophysical properties (such as structural, functional, and spatial information, amino acid conservation, physicochemical variation, residue mobility, and thermodynamic stability) indicates that this missense variant is not expected to disrupt KIF1A protein function with a negative predictive value of 95%. In summary, the available evidence is currently insufficient to determine the role of this variant in disease. Therefore, it has been classified as a Variant of Uncertain Significance.